The following is an entry in ClinVar:

ClinVar aggregate classification (germline): Conflicting classifications of pathogenicity. Review status: criteria provided, conflicting classifications (1 of 4 stars). 3 submissions from 3 submitters: Uncertain significance (2); Likely benign (1). Last evaluated 2023-12-05.

Conditions:
Hereditary cancer-predisposing syndrome. Also called: Neoplastic Syndromes, Hereditary; Hereditary Cancer Syndrome; Hereditary neoplastic syndrome; Tumor predisposition. Identifiers: Orphanet 140162, MedGen C0027672, MeSH D009386, MONDO:0015356.
Familial cancer of breast. Also called: BREAST CANCER, FAMILIAL; hereditary breast carcinoma; Hereditary breast cancer. Identifiers: Orphanet 227535, MedGen C0346153, MONDO:0016419, OMIM 114480. Disease mechanism: loss of function.

Allele frequency attached by ClinVar (database versions not stated): gnomAD exomes below 0.00001; ExAC 0.00001.
gnomAD v4.1: 1 of 1,613,716 alleles (0.000062%); highest among the groups gnomAD compares: Non-Finnish European, 0.000085%; no homozygotes.

Submissions (3):

Color Diagnostics, LLC DBA Color Health
Classification: Uncertain significance for Hereditary cancer-predisposing syndrome. Last evaluated: 2023-12-05. Review status: criteria provided, single submitter. Criteria: ACMG Guidelines, 2015. Collection method: clinical testing. Allele origin: germline.
Comment: This missense variant replaces valine with isoleucine at codon 608 of the BARD1 protein. Computational prediction tools and conservation analyses suggest that this variant may not impact the protein function. Computational splicing tools suggest that this variant may not impact RNA splicing. To our knowledge, functional assays have not been performed for this variant nor has this variant been reported in individuals affected with hereditary cancer in the literature. This variant has been identified in 1/251050 chromosomes in the general population by the Genome Aggregation Database (gnomAD). Available evidence is insufficient to determine the role of this variant in disease conclusively. Therefore, this variant is classified as a Variant of Uncertain Significance.

Labcorp Genetics (formerly Invitae), Labcorp
Classification: Uncertain significance for Familial cancer of breast. Last evaluated: 2022-05-04. Review status: criteria provided, single submitter. Criteria: Invitae Variant Classification Sherloc (09022015). Collection method: clinical testing. Allele origin: germline.
Comment: In summary, the available evidence is currently insufficient to determine the role of this variant in disease. Therefore, it has been classified as a Variant of Uncertain Significance. Algorithms developed to predict the effect of missense changes on protein structure and function output the following: SIFT: "Tolerated"; PolyPhen-2: "Benign"; Align-GVGD: "Class C0". The isoleucine amino acid residue is found in multiple mammalian species, which suggests that this missense change does not adversely affect protein function. ClinVar contains an entry for this variant (Variation ID: 479140). This variant has not been reported in the literature in individuals affected with BARD1-related conditions. This variant is present in population databases (rs778987552, gnomAD 0.0009%). This sequence change replaces valine, which is neutral and non-polar, with isoleucine, which is neutral and non-polar, at codon 608 of the BARD1 protein (p.Val608Ile).

Ambry Genetics
Classification: Likely benign for Hereditary cancer-predisposing syndrome. Last evaluated: 2019-02-20. Review status: criteria provided, single submitter. Criteria: Ambry Variant Classification Scheme 2023. Collection method: clinical testing. Allele origin: germline.

NM_000465.4(BARD1):c.1822G>A (p.Val608Ile)

Gene: BARD1 (BRCA1 associated RING domain 1; minus strand). Cytogenetic location: 2q35.
Variant type: single nucleotide variant.
Coding change: c.1822G>A on transcript NM_000465.4 (MANE Select); coding-DNA position 1822, G replaced by A.
Protein change: p.Val608Ile; replaces valine 608 with isoleucine.
Molecular consequence: missense variant. On other transcripts: non-coding transcript variant (3), intron variant (1).
Genome position (GRCh38, 1-based): chr2:214,745,148, C>T on the plus strand (G>A on the coding strand, the complement: BARD1 is on the minus strand). VCF-style: chr2-214745148-C-T. GRCh37 (hg19) VCF-style: chr2-215609872-C-T.
Other names: c.412G>A, p.Val138Ile (NM_001282548.2); c.1765G>A, p.Val589Ile (NM_001282543.2); c.469G>A, p.Val157Ile (NM_001282545.2); c.365-14640G>A (NM_001282549.2); short protein forms V608I, V138I, V589I, V157I.
Identifiers: ClinVar variation 479140 (VCV000479140.16), dbSNP rs778987552, ClinGen allele CA2090154.
Genomic context (GRCh38, chr2:214,745,148, plus strand): 5'-ATCCATTGAGAATCCCAAGCATACACTTCAAGGTACTTTGAACTGCATCACCAGGAACAA[C>T]AACATGAGTTACTAAAATACAAAAAAAGCAGTAAGAGAAAGAAAGATACAAGCCAAAGTA-3'
Protein context (NP_000456.2, residues 598-618): TEFDSTVTHV[Val608Ile]VPGDAVQSTL